The following is an entry in ClinVar:

NM_005032.7(PLS3):c.1873A>G (p.Arg625Gly)

Gene: PLS3 (plastin 3; plus strand). Cytogenetic location: Xq23.
Variant type: single nucleotide variant.
Coding change: c.1873A>G on transcript NM_005032.7 (MANE Select); coding-DNA position 1873, A replaced by G.
Protein change: p.Arg625Gly; replaces arginine 625 with glycine.
Molecular consequence: missense variant.
Genome position (GRCh38, 1-based): chrX:115,649,541, A>G. VCF-style: chrX-115649541-A-G. GRCh37 (hg19) VCF-style: chrX-114883861-A-G.
Other names: c.1873A>G, p.Arg625Gly (NM_001136025.5); c.1792A>G, p.Arg598Gly (NM_001172335.3); c.1834A>G, p.Arg612Gly (NM_001282337.2); c.1738A>G, p.Arg580Gly (NM_001282338.2); short protein forms R612G, R598G, R625G, R580G.
Identifiers: ClinVar variation 1493814 (VCV001493814.8), dbSNP rs782219245, ClinGen allele CA10497151.

ClinVar aggregate classification (germline): Uncertain significance (1 of 4 stars; one submission).

Allele frequency attached by ClinVar (database versions not stated): ExAC 0.00001; gnomAD 0.00001; gnomAD exomes 0.00001 and 0.00003; TOPMed 0.00001.
gnomAD v4.1: 13 of 1,206,193 alleles (0.0011%); highest among the groups gnomAD compares: Admixed American, 0.011%; no homozygotes.

Submission:

Labcorp Genetics (formerly Invitae), Labcorp
Classification: Uncertain significance. Last evaluated: 2025-04-02. Review status: criteria provided, single submitter. Criteria: Invitae Variant Classification Sherloc (09022015). Collection method: clinical testing. Allele origin: germline.
Comment: This sequence change replaces arginine, which is basic and polar, with glycine, which is neutral and non-polar, at codon 625 of the PLS3 protein (p.Arg625Gly). This variant is present in population databases (rs782219245, gnomAD 0.02%). This variant has not been reported in the literature in individuals affected with PLS3-related conditions. ClinVar contains an entry for this variant (Variation ID: 1493814). Invitae Evidence Modeling of protein sequence and biophysical properties (such as structural, functional, and spatial information, amino acid conservation, physicochemical variation, residue mobility, and thermodynamic stability) indicates that this missense variant is not expected to disrupt PLS3 protein function with a negative predictive value of 80%. In summary, the available evidence is currently insufficient to determine the role of this variant in disease. Therefore, it has been classified as a Variant of Uncertain Significance.